The following is an entry in ClinVar:

NM_012210.4(TRIM32):c.1705T>C (p.Phe569Leu)

Genes: ASTN2 (astrotactin 2; minus strand), TRIM32 (tripartite motif containing 32; plus strand). Cytogenetic location: 9q33.1.
Variant type: single nucleotide variant.
Coding change: c.1705T>C on transcript NM_012210.4 (MANE Select); coding-DNA position 1705, T replaced by C.
Protein change: p.Phe569Leu; replaces phenylalanine 569 with leucine.
Molecular consequence: missense variant. On other transcripts: intron variant (3).
Genome position (GRCh38, 1-based): chr9:116,699,447, T>C. VCF-style: chr9-116699447-T-C. GRCh37 (hg19) VCF-style: chr9-119461726-T-C.
Other names: c.1705T>C, p.Phe569Leu (NM_001099679.2, NM_001379048.1, NM_001379049.1 and 1 more transcripts); c.2653+26324A>G (NM_014010.5); c.2794+26324A>G (NM_001365069.1); c.2806+26324A>G (NM_001365068.1); short protein forms F569L.
Identifiers: ClinVar variation 3657407 (VCV003657407.2).
Genomic context (GRCh38, chr9:116,699,447, plus strand): 5'-GGCTTTTCCATTGGCTCTGTAGGCCCTGATGGGCAGCTGGGTCGCCAGATTAGCCACTTC[T>C]TCTCGGAGAATGAGGATTTCCGCTGCATTGCTGGCATGTGTGTGGATGCTCGTGGTGATC-3'
Protein context (NP_036342.2, residues 559-579): GQLGRQISHF[Phe569Leu]SENEDFRCIA

ClinVar aggregate classification (germline): Uncertain significance (1 of 4 stars; one submission).

Conditions:
Bardet-Biedl syndrome (BBS). Identifiers: Orphanet 110, MedGen C0752166, MONDO:0015229.

Submission:

Labcorp Genetics (formerly Invitae), Labcorp
Classification: Uncertain significance for Bardet-Biedl syndrome. Last evaluated: 2024-06-22. Review status: criteria provided, single submitter. Criteria: Invitae Variant Classification Sherloc (09022015). Collection method: clinical testing. Allele origin: germline.
Comment: This sequence change replaces phenylalanine, which is neutral and non-polar, with leucine, which is neutral and non-polar, at codon 569 of the TRIM32 protein (p.Phe569Leu). This variant is not present in population databases (gnomAD no frequency). This variant has not been reported in the literature in individuals affected with TRIM32-related conditions. An algorithm developed to predict the effect of missense changes on protein structure and function (PolyPhen-2) suggests that this variant is likely to be tolerated. In summary, the available evidence is currently insufficient to determine the role of this variant in disease. Therefore, it has been classified as a Variant of Uncertain Significance.